The following is an entry in ClinVar:

ClinVar aggregate classification (germline): Uncertain significance. Review status: criteria provided, multiple submitters, no conflicts (2 of 4 stars). 7 submissions from 7 submitters: Uncertain significance (5). 2 of the submissions do not count toward it. Last evaluated 2025-10-07.

Conditions:
Hereditary cancer-predisposing syndrome. Also called: Hereditary Cancer Syndrome; Neoplastic Syndromes, Hereditary; Hereditary neoplastic syndrome; Tumor predisposition. Identifiers: Orphanet 140162, MedGen C0027672, MeSH D009386, MONDO:0015356.
Hereditary breast ovarian cancer syndrome. Also called: Breast and ovarian cancer; Hereditary breast and/or ovarian cancer syndrome; Hereditary breast and ovarian cancer; Hereditary breast and ovarian cancer syndrome; Hereditary breast and ovarian cancer syndrome (HBOC); BRCA1- and BRCA2-Associated Hereditary Breast and Ovarian Cancer. Identifiers: Orphanet 145, MedGen C0677776, MeSH D061325, MONDO:0003582. Disease mechanism: loss of function.
Breast-ovarian cancer, familial, susceptibility to, 2 (BROVCA2). Also called: BRCA2 Hereditary Breast and Ovarian Cancer. Identifiers: Orphanet 145, MedGen C2675520, MONDO:0012933, OMIM 612555. Disease mechanism: loss of function.
Familial cancer of breast. Also called: Hereditary breast cancer; BREAST CANCER, FAMILIAL; hereditary breast carcinoma. Identifiers: Orphanet 227535, MedGen C0346153, MONDO:0016419, OMIM 114480. Disease mechanism: loss of function.

Allele frequency attached by ClinVar (database versions not stated): gnomAD exomes below 0.00001.
gnomAD v4.1: 1 of 1,613,666 alleles (0.000062%); highest among the groups gnomAD compares: Non-Finnish European, 0.000085%; no homozygotes.

Submissions (7):

Labcorp Genetics (formerly Invitae), Labcorp
Classification: Uncertain significance for Hereditary breast ovarian cancer syndrome. Last evaluated: 2025-10-07. Review status: criteria provided, single submitter. Criteria: Invitae Variant Classification Sherloc (09022015). Collection method: clinical testing. Allele origin: germline.
Comment: This sequence change replaces lysine, which is basic and polar, with arginine, which is basic and polar, at codon 2448 of the BRCA2 protein (p.Lys2448Arg). This variant is not present in population databases (gnomAD no frequency). This missense change has been observed in individual(s) with clinical features of BRCA2-related conditions (PMID: 21520333). ClinVar contains an entry for this variant (Variation ID: 96851). Invitae Evidence Modeling of protein sequence and biophysical properties (such as structural, functional, and spatial information, amino acid conservation, physicochemical variation, residue mobility, and thermodynamic stability) indicates that this missense variant is not expected to disrupt BRCA2 protein function with a negative predictive value of 95%. In summary, the available evidence is currently insufficient to determine the role of this variant in disease. Therefore, it has been classified as a Variant of Uncertain Significance.

Ambry Genetics
Classification: Uncertain significance for Hereditary cancer-predisposing syndrome. Last evaluated: 2024-10-24. Review status: criteria provided, single submitter. Criteria: Ambry Variant Classification Scheme 2023. Collection method: clinical testing. Allele origin: germline.
Comment: The p.K2448R variant (also known as c.7343A>G), located in coding exon 13 of the BRCA2 gene, results from an A to G substitution at nucleotide position 7343. The lysine at codon 2448 is replaced by arginine, an amino acid with highly similar properties. This amino acid position is poorly conserved in available vertebrate species. In addition, this alteration is predicted to be tolerated by in silico analysis. Since supporting evidence is limited at this time, the clinical significance of this alteration remains unclear.

Quest Diagnostics Nichols Institute San Juan Capistrano
Classification: Uncertain significance. Last evaluated: 2024-09-09. Review status: criteria provided, single submitter. Criteria: Quest Diagnostics criteria. Collection method: clinical testing. Allele origin: unknown.
Comment: The BRCA2 c.7343A>G (p.Lys2448Arg) variant has not been reported in individuals with BRCA2-related conditions in the published literature. It also has not been reported in large, multi-ethnic general populations (Genome Aggregation Database). Analysis of this variant using bioinformatics tools for the prediction of the effect of amino acid changes on protein structure and function yielded predictions that this variant is benign. Based on the available information, we are unable to determine the clinical significance of this variant.

Baylor Genetics
Classification: Uncertain significance for Familial cancer of breast. Last evaluated: 2023-05-26. Review status: criteria provided, single submitter. Criteria: ACMG Guidelines, 2015. Collection method: clinical testing. Allele origin: unknown.

Color Diagnostics, LLC DBA Color Health
Classification: Uncertain significance for Hereditary cancer-predisposing syndrome. Last evaluated: 2022-02-15. Review status: criteria provided, single submitter. Criteria: ACMG Guidelines, 2015. Collection method: clinical testing. Allele origin: germline.
Comment: This missense variant replaces lysine with arginine at codon 2448 of the BRCA2 protein. Computational prediction suggests that this variant may not impact protein structure and function (internally defined REVEL score threshold <= 0.5, PMID: 27666373). To our knowledge, functional studies have not been reported for this variant. This variant has not been reported in individuals affected with hereditary cancer in the literature. This variant has not been identified in the general population by the Genome Aggregation Database (gnomAD). The available evidence is insufficient to determine the role of this variant in disease conclusively. Therefore, this variant is classified as a Variant of Uncertain Significance.

Counsyl
Classification: Uncertain significance for Breast-ovarian cancer, familial, susceptibility to, 2. Last evaluated: 2017-08-02. Review status: no assertion criteria provided. Collection method: clinical testing. Allele origin: unknown. Not counted in ClinVar's aggregate classification.

Sharing Clinical Reports Project (SCRP)
Classification: Uncertain significance for Breast-ovarian cancer, familial 2. Last evaluated: 2012-05-01. Review status: no assertion criteria provided. Collection method: clinical testing. Allele origin: germline. Not counted in ClinVar's aggregate classification.

Literature cited by the submitters: PubMed 21520333 (cited by Labcorp Genetics (formerly Invitae), Labcorp).

NM_000059.4(BRCA2):c.7343A>G (p.Lys2448Arg)

Gene: BRCA2 (BRCA2 DNA repair associated; plus strand). Cytogenetic location: 13q13.1.
Variant type: single nucleotide variant.
Coding change: c.7343A>G on transcript NM_000059.4 (MANE Select); coding-DNA position 7343, A replaced by G.
Protein change: p.Lys2448Arg; replaces lysine 2448 with arginine.
Molecular consequence: missense variant.
Genome position (GRCh38, 1-based): chr13:32,355,196, A>G. VCF-style: chr13-32355196-A-G. GRCh37 (hg19) VCF-style: chr13-32929333-A-G.
Other names: 7571A>G; short protein forms K2448R.
Identifiers: ClinVar variation 96851 (VCV000096851.22), dbSNP rs431825353, ClinGen allele CA025039.
Genomic context (GRCh38, chr13:32,355,196, plus strand): 5'-TGGAGGAAAACAGACAAAAGCAAAACATTGATGGACATGGCTCTGATGATAGTAAAAATA[A>G]GATTAATGACAATGAGATTCATCAGTTTAACAAAAACAACTCCAATCAAGCAGTAGCTGT-3'
Protein context (NP_000050.3, residues 2438-2458): DGHGSDDSKN[Lys2448Arg]INDNEIHQFN